The following is an entry in ClinVar:

ClinVar aggregate classification (germline): Benign/Likely benign. Review status: criteria provided, multiple submitters, no conflicts (2 of 4 stars). 3 submissions from 3 submitters: Benign (2); Likely benign (1). Last evaluated 2026-02-01.

Conditions:
Fraser syndrome 2 (FRASRS2). Identifiers: MedGen C4540036, MONDO:0054738, OMIM 617666.
Isolated cryptophthalmia. Also called: Cryptophthalmos, unilateral or bilateral, isolated; ANKYLOBLEPHARON, SIMPLE. Identifiers: Orphanet 91396, MedGen C1852453, MONDO:0007410, OMIM 123570.

Allele frequency attached by ClinVar (database versions not stated): gnomAD exomes 0.00039 and 0.00098; ExAC 0.00121; 1000 Genomes Project 30x 0.00375; 1000 Genomes Project 0.00379; gnomAD 0.00379 and 0.00410; TOPMed 0.00422; ESP Exome Variant Server 0.00423.
gnomAD v4.1: 1,145 of 1,613,468 alleles (0.071%); highest among the groups gnomAD compares: African/African-American, 1.4%; 9 homozygotes.

Submissions (3):

Labcorp Genetics (formerly Invitae), Labcorp
Classification: Benign. Last evaluated: 2026-02-01. Review status: criteria provided, single submitter. Criteria: Invitae Variant Classification Sherloc (09022015). Collection method: clinical testing. Allele origin: germline.

Fulgent Genetics
Classification: Likely benign for Isolated cryptophthalmia; Fraser syndrome 2. Last evaluated: 2021-07-21. Review status: criteria provided, single submitter. Criteria: ACMG Guidelines, 2015. Collection method: clinical testing. Allele origin: unknown.

Illumina Laboratory Services, Illumina
Classification: Benign for Fraser syndrome 2. Last evaluated: 2018-01-13. Review status: criteria provided, single submitter. Criteria: ICSL Variant Classification Criteria 13 December 2019. Collection method: clinical testing. Allele origin: germline.
Comment: This variant was observed in the ICSL laboratory as part of a predisposition screen in an ostensibly healthy population. It had not been previously curated by ICSL or reported in the Human Gene Mutation Database (HGMD: prior to June 1st, 2018), and was therefore a candidate for classification through an automated scoring system. Utilizing variant allele frequency, disease prevalence and penetrance estimates, and inheritance mode, an automated score was calculated to assess if this variant is too frequent to cause the disease. Based on the score and internal cut-off values, a variant classified as benign is not then subjected to further curation. The score for this variant resulted in a classification of benign for this disease.

NM_207361.6(FREM2):c.7068C>T (p.Ala2356=)

Gene: FREM2 (FRAS1 related extracellular matrix 2; plus strand). Cytogenetic location: 13q13.3.
Variant type: single nucleotide variant.
Coding change: c.7068C>T on transcript NM_207361.6 (MANE Select); coding-DNA position 7068, C replaced by T.
Protein change: p.Ala2356=; no amino-acid change (alanine 2356 retained).
Molecular consequence: synonymous variant.
Genome position (GRCh38, 1-based): chr13:38,857,886, C>T. VCF-style: chr13-38857886-C-T. GRCh37 (hg19) VCF-style: chr13-39432023-C-T.
Identifiers: ClinVar variation 703148 (VCV000703148.16), dbSNP rs74577582, ClinGen allele CA6955765.